The following is an entry in ClinVar:

NM_031857.2(PCDHA9):c.2081T>C (p.Val694Ala)

Genes: PCDHA1 (protocadherin alpha 1; plus strand), PCDHA2 (protocadherin alpha 2; plus strand), PCDHA3 (protocadherin alpha 3; plus strand), PCDHA4 (protocadherin alpha 4; plus strand), PCDHA5 (protocadherin alpha 5; plus strand) and 5 more. Cytogenetic location: 5q31.3.
Variant type: single nucleotide variant.
Coding change: c.2081T>C on transcript NM_031857.2 (MANE Select); coding-DNA position 2081, T replaced by C.
Protein change: p.Val694Ala; replaces valine 694 with alanine.
Molecular consequence: missense variant. On other transcripts: intron variant (10).
Genome position (GRCh38, 1-based): chr5:140,850,576, T>C. VCF-style: chr5-140850576-T-C. GRCh37 (hg19) VCF-style: chr5-140230161-T-C.
Other names: c.2081T>C, p.Val694Ala (NM_014005.5); c.2394+61892T>C (NM_018900.4); c.1602+62684T>C (NM_031411.3); c.2388+53224T>C (NM_018905.3); c.2394+46985T>C (NM_018906.3); c.2385+41004T>C (NM_018907.4); c.2352+26449T>C (NM_018908.3); c.2394+20091T>C (NM_018909.4); and 3 more; short protein forms V694A.
Identifiers: ClinVar variation 5026342 (VCV005026342.1).

ClinVar aggregate classification (germline): Uncertain significance (1 of 4 stars; one submission).

gnomAD v4.1: 1 of 1,598,296 alleles (0.000063%); highest among the groups gnomAD compares: East Asian, 0.0022%; no homozygotes.

Submission:

Ambry Genetics
Classification: Uncertain significance. Last evaluated: 2026-07-03. Review status: criteria provided, single submitter. Criteria: Ambry Variant Classification Scheme 2023. Collection method: clinical testing. Allele origin: germline.
Comment: The c.2081T>C (p.V694A) alteration is located in exon 1 (coding exon 1) of the PCDHA9 gene. This alteration results from a T to C substitution at nucleotide position 2081, causing the valine (V) at amino acid position 694 to be replaced by an alanine (A). Based on data from gnomAD, the C allele has an overall frequency of <0.001% (1/249264) total alleles studied. The highest observed frequency was 0.005% (1/18378) of East Asian alleles. Based on insufficient or conflicting evidence, the clinical significance of this alteration remains unclear.